The following is an entry in ClinVar:

NM_016729.3(FOLR1):c.639G>A (p.Trp213Ter)

Genes: FOLR1-AS1 (FOLR1 antisense RNA 1; minus strand), FOLR1 (folate receptor alpha; plus strand). Cytogenetic location: 11q13.4.
Variant type: single nucleotide variant.
Coding change: c.639G>A on transcript NM_016729.3 (MANE Select); coding-DNA position 639, G replaced by A.
Protein change: p.Trp213Ter; replaces tryptophan 213 with a stop codon.
Molecular consequence: nonsense.
Genome position (GRCh38, 1-based): chr11:72,196,042, G>A. VCF-style: chr11-72196042-G-A. GRCh37 (hg19) VCF-style: chr11-71907086-G-A.
Other names: c.639G>A, p.Trp213Ter (NM_000802.3, NM_016724.3, NM_016725.3); short protein forms W213*.
Identifiers: ClinVar variation 588895 (VCV000588895.5), dbSNP rs757554598, ClinGen allele CA381734715.

ClinVar aggregate classification (germline): Likely pathogenic (1 of 4 stars; one submission).

Conditions:
Inborn genetic diseases. Identifiers: MedGen C0950123, MeSH D030342.

Submission:

Ambry Genetics
Classification: Likely pathogenic for Inborn genetic diseases. Last evaluated: 2017-03-22. Review status: criteria provided, single submitter. Criteria: Ambry Variant Classification Scheme 2023. Collection method: clinical testing. Allele origin: germline.
Comment: The p.W213* variant (also known as c.639G>A), located in coding exon 4 of the FOLR1 gene, results from a G to A substitution at nucleotide position 639. This changes the amino acid from a tryptophan to a stop codon within coding exon 4. This alteration is expected to result in loss of function by premature protein truncation. This variant truncates a domain indicated to be important for protein function (Chen C et al. Nature, 2013 Aug;500:486-9; Grapp M et al. Brain, 2012 Jul;135:2022-31; Golani LK et al. J. Med. Chem., 2016 Sep;59:7856-76; Kelemen LE. Int. J. Cancer, 2006 Jul;119:243-50; Wibowo AS et al. Proc. Natl. Acad. Sci. U.S.A., 2013 Sep;110:15180-8; Yan W et al. Biochemistry, 1995 Nov;34:14594-600). This amino acid position is highly conserved in available vertebrate species. Based on the majority of available evidence to date, this variant is likely to be pathogenic.

Literature cited by the submitters: PubMed 16453285; PubMed 22586289; PubMed 23851396; PubMed 23934049; PubMed 27458733; PubMed 7578066; PubMed 9063895.